The following is an entry in ClinVar:

ClinVar aggregate classification (germline): Benign/Likely benign. Review status: criteria provided, multiple submitters, no conflicts (2 of 4 stars). 3 submissions from 3 submitters: Benign (1); Likely benign (2). Last evaluated 2024-03-12.

Conditions:
Hereditary cancer-predisposing syndrome. Also called: Neoplastic Syndromes, Hereditary; Hereditary Cancer Syndrome; Tumor predisposition; Hereditary neoplastic syndrome. Identifiers: Orphanet 140162, MedGen C0027672, MeSH D009386, MONDO:0015356.
Familial adenomatous polyposis 1 (FAP1). Also called: FAMILIAL ADENOMATOUS POLYPOSIS 1, ATTENUATED; POLYPOSIS, ADENOMATOUS INTESTINAL. Identifiers: MedGen C2713442, MONDO:0021056, OMIM 175100. Disease mechanism: loss of function.

Submissions (3):

Myriad Genetics, Inc.
Classification: Benign for Familial adenomatous polyposis 1. Last evaluated: 2024-03-12. Review status: criteria provided, single submitter. Criteria: Myriad Autosomal Dominant, Autosomal Recessive and X-Linked Classification Criteria (2023). Collection method: clinical testing. Allele origin: unknown.
Comment: This variant is considered benign. This variant is a silent/synonymous amino acid change and it is not expected to impact splicing.

Labcorp Genetics (formerly Invitae), Labcorp
Classification: Likely benign for Familial adenomatous polyposis 1. Last evaluated: 2019-11-26. Review status: criteria provided, single submitter. Criteria: Invitae Variant Classification Sherloc (09022015). Collection method: clinical testing. Allele origin: germline.

Ambry Genetics
Classification: Likely benign for Hereditary cancer-predisposing syndrome. Last evaluated: 2019-09-30. Review status: criteria provided, single submitter. Criteria: Ambry Variant Classification Scheme 2023. Collection method: clinical testing. Allele origin: germline.

NM_000038.6(APC):c.2397T>C (p.Tyr799=)

Gene: APC (APC regulator of Wnt signaling pathway; plus strand). Cytogenetic location: 5q22.2.
Variant type: single nucleotide variant.
Coding change: c.2397T>C on transcript NM_000038.6 (MANE Select); coding-DNA position 2397, T replaced by C.
Protein change: p.Tyr799=; no amino-acid change (tyrosine 799 retained).
Molecular consequence: synonymous variant.
Genome position (GRCh38, 1-based): chr5:112,837,991, T>C. VCF-style: chr5-112837991-T-C. GRCh37 (hg19) VCF-style: chr5-112173688-T-C.
Other names: c.2397T>C, p.Tyr799= (NM_001127510.3, NM_001354895.2); c.2343T>C, p.Tyr781= (NM_001127511.3); c.2451T>C, p.Tyr817= (NM_001354896.2); c.2427T>C, p.Tyr809= (NM_001354897.2); c.2322T>C, p.Tyr774= (NM_001354898.2); c.2313T>C, p.Tyr771= (NM_001354899.2); c.2274T>C, p.Tyr758= (NM_001354900.2); c.2220T>C, p.Tyr740= (NM_001354901.2); and 5 more.
Identifiers: ClinVar variation 1133916 (VCV001133916.12), dbSNP rs1765170817, ClinGen allele CA445963442.